The following is an entry in ClinVar:

ClinVar aggregate classification (germline): Uncertain significance (1 of 4 stars; one submission).

gnomAD v4.1: 1 of 1,614,032 alleles (0.000062%); highest among the groups gnomAD compares: African/African-American, 0.0013%; no homozygotes.

Submission:

Labcorp Genetics (formerly Invitae), Labcorp
Classification: Uncertain significance. Last evaluated: 2024-02-14. Review status: criteria provided, single submitter. Criteria: Invitae Variant Classification Sherloc (09022015). Collection method: clinical testing. Allele origin: germline.
Comment: This sequence change replaces serine, which is neutral and polar, with proline, which is neutral and non-polar, at codon 1132 of the ERCC6 protein (p.Ser1132Pro). This variant is not present in population databases (gnomAD no frequency). This variant has not been reported in the literature in individuals affected with ERCC6-related conditions. Advanced modeling of protein sequence and biophysical properties (such as structural, functional, and spatial information, amino acid conservation, physicochemical variation, residue mobility, and thermodynamic stability) performed at Invitae indicates that this missense variant is not expected to disrupt ERCC6 protein function with a negative predictive value of 95%. In summary, the available evidence is currently insufficient to determine the role of this variant in disease. Therefore, it has been classified as a Variant of Uncertain Significance.

NM_000124.4(ERCC6):c.3394T>C (p.Ser1132Pro)

Gene: ERCC6 (ERCC excision repair 6, chromatin remodeling factor; minus strand). Cytogenetic location: 10q11.23.
Variant type: single nucleotide variant.
Coding change: c.3394T>C on transcript NM_000124.4 (MANE Select); coding-DNA position 3394, T replaced by C.
Protein change: p.Ser1132Pro; replaces serine 1132 with proline.
Molecular consequence: missense variant.
Genome position (GRCh38, 1-based): chr10:49,470,566, A>G on the plus strand (T>C on the coding strand, the complement: ERCC6 is on the minus strand). VCF-style: chr10-49470566-A-G. GRCh37 (hg19) VCF-style: chr10-50678612-A-G.
Other names: c.3394T>C, p.Ser1132Pro (NM_001346440.2); short protein forms S1132P.
Identifiers: ClinVar variation 3628424 (VCV003628424.2).